The following is an entry in ClinVar:

ClinVar aggregate classification (germline): Uncertain significance (1 of 4 stars; one submission).

Conditions:
Epilepsy, childhood absence, susceptibility to, 1. Also called: Epilepsy, childhood absence 1. Identifiers: Orphanet 64280, MedGen C1838604, MONDO:0020759, OMIM 600131.
Epilepsy, childhood absence, susceptibility to, 5. Identifiers: Orphanet 64280, MedGen C2677087, MONDO:0012843, OMIM 612269.

Submission:

Labcorp Genetics (formerly Invitae), Labcorp
Classification: Uncertain significance for Epilepsy, childhood absence, susceptibility to, 5; Epilepsy, childhood absence, susceptibility to, 1. Last evaluated: 2024-11-14. Review status: criteria provided, single submitter. Criteria: Invitae Variant Classification Sherloc (09022015). Collection method: clinical testing. Allele origin: germline.
Comment: This sequence change replaces methionine, which is neutral and non-polar, with isoleucine, which is neutral and non-polar, at codon 407 of the GABRB3 protein (p.Met407Ile). This variant is not present in population databases (gnomAD no frequency). This variant has not been reported in the literature in individuals affected with GABRB3-related conditions. Invitae Evidence Modeling of protein sequence and biophysical properties (such as structural, functional, and spatial information, amino acid conservation, physicochemical variation, residue mobility, and thermodynamic stability) indicates that this missense variant is not expected to disrupt GABRB3 protein function with a negative predictive value of 95%. In summary, the available evidence is currently insufficient to determine the role of this variant in disease. Therefore, it has been classified as a Variant of Uncertain Significance.

NM_000814.6(GABRB3):c.1221G>A (p.Met407Ile)

Gene: GABRB3 (gamma-aminobutyric acid type A receptor subunit beta3; minus strand). Cytogenetic location: 15q12.
Variant type: single nucleotide variant.
Coding change: c.1221G>A on transcript NM_000814.6 (MANE Select); coding-DNA position 1221, G replaced by A.
Protein change: p.Met407Ile; replaces methionine 407 with isoleucine.
Molecular consequence: missense variant.
Genome position (GRCh38, 1-based): chr15:26,547,994, C>T on the plus strand (G>A on the coding strand, the complement: GABRB3 is on the minus strand). VCF-style: chr15-26547994-C-T. GRCh37 (hg19) VCF-style: chr15-26793141-C-T.
Other names: c.966G>A, p.Met322Ile (NM_001191320.2, NM_001278631.2); c.1008G>A, p.Met336Ile (NM_001191321.3); c.1221G>A, p.Met407Ile (NM_021912.5); short protein forms M322I, M336I, M407I.
Identifiers: ClinVar variation 3749592 (VCV003749592.2).